The following is an entry in ClinVar:

NM_001287.6(CLCN7):c.2332-86_2417del

Gene: CLCN7 (chloride voltage-gated channel 7; minus strand). Cytogenetic location: 16p13.3.
Variant type: Deletion.
Coding change: c.2332-86_2417del on transcript NM_001287.6 (MANE Select); 86 bases into the intron before coding-DNA position 2332 through coding-DNA position 2417, 172 bases deleted.
Molecular consequence: splice acceptor variant.
Genome position (GRCh38, 1-based): chr16:1,446,632-1,446,803, 172 bases deleted. GRCh37 (hg19): chr16:1,496,636-1,496,807.
Other names: c.2260-86_2345del (NM_001114331.3).
Identifiers: ClinVar variation 3765838 (VCV003765838.1).

ClinVar aggregate classification (germline): Likely pathogenic (1 of 4 stars; one submission).

Conditions:
CLCN7-related disorder. Also called: CLCN7-related condition.

Submission:

Greenwood Genetic Center Diagnostic Laboratories, Greenwood Genetic Center
Classification: Likely pathogenic for CLCN7-related disorder. Last evaluated: 2024-12-19. Review status: criteria provided, single submitter. Criteria: ACMG Guidelines, 2015. Collection method: clinical testing. Allele origin: germline. Affected: yes.
Comment: PVS1, PM2